The following is an entry in ClinVar:

NM_001042492.3(NF1):c.5885A>C (p.His1962Pro)

Gene: NF1 (neurofibromin 1; plus strand). Cytogenetic location: 17q11.2.
Variant type: single nucleotide variant.
Coding change: c.5885A>C on transcript NM_001042492.3 (MANE Select); coding-DNA position 5885, A replaced by C.
Protein change: p.His1962Pro; replaces histidine 1962 with proline.
Molecular consequence: missense variant.
Genome position (GRCh38, 1-based): chr17:31,334,910, A>C. VCF-style: chr17-31334910-A-C. GRCh37 (hg19) VCF-style: chr17-29661928-A-C.
Other names: c.5822A>C, p.His1941Pro (NM_000267.4); short protein forms H1941P, H1962P.
Identifiers: ClinVar variation 949508 (VCV000949508.6), dbSNP rs1555534402, ClinGen allele CA399010714.

ClinVar aggregate classification (germline): Uncertain significance (1 of 4 stars; one submission).

Conditions:
Neurofibromatosis, type 1 (NF1). Also called: VON RECKLINGHAUSEN DISEASE; NEUROFIBROMATOSIS, TYPE I, SOMATIC; Peripheral type neurofibromatosis; Neurofibromatosis, type I. Identifiers: Orphanet 636, MedGen C0027831, MONDO:0018975, OMIM 162200. Disease mechanism: loss of function.

Submission:

Labcorp Genetics (formerly Invitae), Labcorp
Classification: Uncertain significance for Neurofibromatosis, type 1. Last evaluated: 2019-05-28. Review status: criteria provided, single submitter. Criteria: Invitae Variant Classification Sherloc (09022015). Collection method: clinical testing. Allele origin: germline.
Comment: In summary, the available evidence is currently insufficient to determine the role of this variant in disease. Therefore, it has been classified as a Variant of Uncertain Significance. Algorithms developed to predict the effect of missense changes on protein structure and function (SIFT, PolyPhen-2, Align-GVGD) all suggest that this variant is likely to be tolerated, but these predictions have not been confirmed by published functional studies and their clinical significance is uncertain. This variant has not been reported in the literature in individuals with NF1-related conditions. This variant is not present in population databases (ExAC no frequency). This sequence change replaces histidine with proline at codon 1941 of the NF1 protein (p.His1941Pro). The histidine residue is moderately conserved and there is a moderate physicochemical difference between histidine and proline.